The following is an entry in ClinVar:

ClinVar aggregate classification (germline): Uncertain significance (1 of 4 stars; one submission).

Conditions:
Intellectual developmental disorder, X-linked 1. Also called: Atkin Flaitz Patil Smith syndrome; MENTAL RETARDATION, X-LINKED 18; MENTAL RETARDATION, X-LINKED 78; Intellectual disability, X-linked 1. Identifiers: Orphanet 777, MedGen C2931498, MONDO:0010656, OMIM 309530.

Submission:

Labcorp Genetics (formerly Invitae), Labcorp
Classification: Uncertain significance for Intellectual developmental disorder, X-linked 1. Last evaluated: 2025-03-17. Review status: criteria provided, single submitter. Criteria: Invitae Variant Classification Sherloc (09022015). Collection method: clinical testing. Allele origin: germline.
Comment: This sequence change replaces arginine, which is basic and polar, with proline, which is neutral and non-polar, at codon 74 of the IQSEC2 protein (p.Arg74Pro). This variant is not present in population databases (gnomAD no frequency). This variant has not been reported in the literature in individuals affected with IQSEC2-related conditions. Invitae Evidence Modeling of protein sequence and biophysical properties (such as structural, functional, and spatial information, amino acid conservation, physicochemical variation, residue mobility, and thermodynamic stability) indicates that this missense variant is not expected to disrupt IQSEC2 protein function with a negative predictive value of 95%. In summary, the available evidence is currently insufficient to determine the role of this variant in disease. Therefore, it has been classified as a Variant of Uncertain Significance.

NM_001111125.3(IQSEC2):c.221G>C (p.Arg74Pro)

Gene: IQSEC2 (IQ motif and Sec7 domain ArfGEF 2; minus strand). Cytogenetic location: Xp11.22.
Variant type: single nucleotide variant.
Coding change: c.221G>C on transcript NM_001111125.3 (MANE Select); coding-DNA position 221, G replaced by C.
Protein change: p.Arg74Pro; replaces arginine 74 with proline.
Molecular consequence: missense variant.
Genome position (GRCh38, 1-based): chrX:53,320,903, C>G on the plus strand (G>C on the coding strand, the complement: IQSEC2 is on the minus strand). VCF-style: chrX-53320903-C-G. GRCh37 (hg19) VCF-style: chrX-53350101-C-G.
Other names: c.221G>C, p.Arg74Pro (NM_001410736.1, NM_001441092.1); short protein forms R74P.
Identifiers: ClinVar variation 4767223 (VCV004767223.1).